The following is an entry in ClinVar:

ClinVar aggregate classification (germline): Uncertain significance (1 of 4 stars; one submission).

Conditions:
Neuropathy, hereditary sensory and autonomic, type 2A (HSAN2A). Also called: HSAN IIA; ACROOSTEOLYSIS, GIACCAI TYPE; ACROOSTEOLYSIS, NEUROGENIC; WNK1-Related HSAN2 (HSAN2A); MORVAN DISEASE; NEUROPATHY, CONGENITAL SENSORY. Identifiers: Orphanet 970, MedGen C2752089, MONDO:0024309, OMIM 201300.
Pseudohypoaldosteronism type 2C (PHA2C). Also called: Pseudohypoaldosteronism Type IIC. Identifiers: Orphanet 757, Orphanet 88940, MedGen C1840391, MONDO:0013778, OMIM 614492.

Submission:

Labcorp Genetics (formerly Invitae), Labcorp
Classification: Uncertain significance for Neuropathy, hereditary sensory and autonomic, type 2A; Pseudohypoaldosteronism type 2C. Last evaluated: 2019-06-11. Review status: criteria provided, single submitter. Criteria: Invitae Variant Classification Sherloc (09022015). Collection method: clinical testing. Allele origin: germline.
Comment: In summary, the available evidence is currently insufficient to determine the role of this variant in disease. Therefore, it has been classified as a Variant of Uncertain Significance. Experimental studies and prediction algorithms are not available for this variant, and the functional significance of the deleted amino acid is currently unknown. This variant has not been reported in the literature in individuals with WNK1-related disease. This variant is not present in population databases (ExAC no frequency). This variant, c.5525_5527delAAG, results in the deletion of 1 amino acid of the WNK1 protein (p.Glu1842del), but otherwise preserves the integrity of the reading frame.

NM_018979.4(WNK1):c.5522AAG[1] (p.Glu1842del)

Gene: WNK1 (WNK lysine deficient protein kinase 1; plus strand). Cytogenetic location: 12p13.33.
Variant type: Microsatellite.
Coding change: c.5522AAG[1] on transcript NM_018979.4 (MANE Select); one copy of the 3-base unit AAG starting at c.5522; the reference has two copies in a row; one copy, 3 bases deleted.
Protein change: p.Glu1842del; deletes glutamic acid 1842.
Molecular consequence: inframe deletion.
Genome position (GRCh38, 1-based): chr12:894,577-894,579, AAG deleted; deleting any 3 consecutive bases within chr12:894,574-894,579 gives the same sequence; the position shown is the placement nearest the transcript's 3' end. VCF-style (leftmost placement, unchanged base first): chr12-894573-AAAG-A. GRCh37 (hg19) VCF-style: chr12-1003739-AAAG-A.
Other names: c.6302AAG[1], p.Glu2102del (NM_001184985.2); c.4778AAG[1], p.Glu1594del (NM_014823.3); c.6278AAG[1], p.Glu2094del (NM_213655.5); short protein forms E1842del, E2094del, E1594del, E2102del.
Identifiers: ClinVar variation 576155 (VCV000576155.10), dbSNP rs1565600344, ClinGen allele CA891843469.